The following is an entry in ClinVar:

NM_004055.5(CAPN5):c.1301A>G (p.Asn434Ser)

Gene: CAPN5 (calpain 5; plus strand). Cytogenetic location: 11q13.5.
Variant type: single nucleotide variant.
Coding change: c.1301A>G on transcript NM_004055.5 (MANE Select); coding-DNA position 1301, A replaced by G.
Protein change: p.Asn434Ser; replaces asparagine 434 with serine.
Molecular consequence: missense variant.
Genome position (GRCh38, 1-based): chr11:77,120,723, A>G. VCF-style: chr11-77120723-A-G. GRCh37 (hg19) VCF-style: chr11-76831769-A-G.
Other names: c.1421A>G, p.Asn474Ser (NM_001425321.1); c.1301A>G, p.Asn434Ser (NM_001425322.1); c.1169A>G, p.Asn390Ser (NM_001425323.1); short protein forms N434S, N474S, N390S.
Identifiers: ClinVar variation 2712139 (VCV002712139.3), dbSNP rs2135487443, ClinGen allele CA381942770.

ClinVar aggregate classification (germline): Uncertain significance (1 of 4 stars; one submission).

Submission:

Labcorp Genetics (formerly Invitae), Labcorp
Classification: Uncertain significance. Last evaluated: 2023-11-13. Review status: criteria provided, single submitter. Criteria: Invitae Variant Classification Sherloc (09022015). Collection method: clinical testing. Allele origin: germline.
Comment: This sequence change replaces asparagine, which is neutral and polar, with serine, which is neutral and polar, at codon 434 of the CAPN5 protein (p.Asn434Ser). This variant is not present in population databases (gnomAD no frequency). This variant has not been reported in the literature in individuals affected with CAPN5-related conditions. Advanced modeling of protein sequence and biophysical properties (such as structural, functional, and spatial information, amino acid conservation, physicochemical variation, residue mobility, and thermodynamic stability) has been performed at Invitae for this missense variant, however the output from this modeling did not meet the statistical confidence thresholds required to predict the impact of this variant on CAPN5 protein function. In summary, the available evidence is currently insufficient to determine the role of this variant in disease. Therefore, it has been classified as a Variant of Uncertain Significance.